The following is an entry in ClinVar:

ClinVar aggregate classification (germline): Uncertain significance (1 of 4 stars; one submission).

Conditions:
Ehlers-Danlos syndrome, type 4 (EDSVASC). Also called: Ehlers-Danlos syndrome vascular type; Ehlers Danlos syndrome, ecchymotic type; Ehlers Danlos syndrome, arterial type; Ehlers Danlos syndrome, Sack-Barabas type; Ehlers-Danlos Syndrome Type IV. Identifiers: Orphanet 286, MedGen C0268338, MONDO:0017314, OMIM 130050.

Allele frequency attached by ClinVar (database versions not stated): gnomAD 0.00001.
gnomAD v4.1: 4 of 1,613,764 alleles (0.00025%); highest among the groups gnomAD compares: East Asian, 0.0022%; no homozygotes.

Submission:

Labcorp Genetics (formerly Invitae), Labcorp
Classification: Uncertain significance for Ehlers-Danlos syndrome, type 4. Last evaluated: 2022-08-23. Review status: criteria provided, single submitter. Criteria: Invitae Variant Classification Sherloc (09022015). Collection method: clinical testing. Allele origin: germline.
Comment: This sequence change replaces isoleucine, which is neutral and non-polar, with valine, which is neutral and non-polar, at codon 767 of the COL3A1 protein (p.Ile767Val). This variant is present in population databases (no rsID available, gnomAD 0.006%). This variant has not been reported in the literature in individuals affected with COL3A1-related conditions. Advanced modeling of protein sequence and biophysical properties (such as structural, functional, and spatial information, amino acid conservation, physicochemical variation, residue mobility, and thermodynamic stability) performed at Invitae indicates that this missense variant is not expected to disrupt COL3A1 protein function. In summary, the available evidence is currently insufficient to determine the role of this variant in disease. Therefore, it has been classified as a Variant of Uncertain Significance.

NM_000090.4(COL3A1):c.2299A>G (p.Ile767Val)

Gene: COL3A1 (collagen type III alpha 1 chain; plus strand). Cytogenetic location: 2q32.2.
Variant type: single nucleotide variant.
Coding change: c.2299A>G on transcript NM_000090.4 (MANE Select); coding-DNA position 2299, A replaced by G.
Protein change: p.Ile767Val; replaces isoleucine 767 with valine.
Molecular consequence: missense variant.
Genome position (GRCh38, 1-based): chr2:189,001,412, A>G. VCF-style: chr2-189001412-A-G. GRCh37 (hg19) VCF-style: chr2-189866138-A-G.
Other names: short protein forms I767V.
Identifiers: ClinVar variation 2142749 (VCV002142749.4), dbSNP rs1380468315, ClinGen allele CA349842368.